The following is an entry in ClinVar:

ClinVar aggregate classification (germline): Likely benign. Review status: criteria provided, multiple submitters, no conflicts (2 of 4 stars). 3 submissions from 3 submitters: Likely benign (3). Last evaluated 2024-02-17.

Conditions:
Lethal congenital glycogen storage disease of heart. Also called: GLYCOGEN STORAGE DISEASE OF HEART; PHOSPHORYLASE KINASE DEFICIENCY OF HEART. Identifiers: Orphanet 439854, MedGen C1849813, MONDO:0009867, OMIM 261740.
Cardiomyopathy (CMYO). Also called: Cardiomyopathies. Identifiers: Orphanet 167848, MedGen C0878544, MONDO:0004994, HP:0001638. Inheritance: Various modes of inheritance.

Allele frequency attached by ClinVar (database versions not stated): 1000 Genomes Project 30x 0.00016; 1000 Genomes Project 0.00020.

Submissions (3):

Labcorp Genetics (formerly Invitae), Labcorp
Classification: Likely benign for Lethal congenital glycogen storage disease of heart. Last evaluated: 2024-02-17. Review status: criteria provided, single submitter. Criteria: Invitae Variant Classification Sherloc (09022015). Collection method: clinical testing. Allele origin: germline.

Color Diagnostics, LLC DBA Color Health
Classification: Likely benign for Cardiomyopathy. Last evaluated: 2019-03-07. Review status: criteria provided, single submitter. Criteria: ACMG Guidelines, 2015. Collection method: clinical testing. Allele origin: germline.

GeneDx
Classification: Likely benign. Last evaluated: 2017-03-29. Review status: criteria provided, single submitter. Criteria: GeneDx Variant Classification (06012015). Collection method: clinical testing. Allele origin: germline. Affected: yes.
Comment: This variant is considered likely benign or benign based on one or more of the following criteria: it is a conservative change, it occurs at a poorly conserved position in the protein, it is predicted to be benign by multiple in silico algorithms, and/or has population frequency not consistent with disease.

NM_016203.4(PRKAG2):c.1107-14G>C

Gene: PRKAG2 (protein kinase AMP-activated non-catalytic subunit gamma 2; minus strand). Cytogenetic location: 7q36.1.
Variant type: single nucleotide variant.
Coding change: c.1107-14G>C on transcript NM_016203.4 (MANE Select); 14 bases into the intron before coding-DNA position 1107, G replaced by C.
Molecular consequence: intron variant.
Genome position (GRCh38, 1-based): chr7:151,568,856, C>G on the plus strand (G>C on the coding strand, the complement: PRKAG2 is on the minus strand). VCF-style: chr7-151568856-C-G. GRCh37 (hg19) VCF-style: chr7-151265942-C-G.
Other names: c.975-14G>C (NM_001040633.2); c.732-14G>C (NM_001304527.2); c.735-14G>C (NM_001363698.2); c.384-14G>C (NM_001304531.2, NM_024429.2).
Identifiers: ClinVar variation 508211 (VCV000508211.11), dbSNP rs201150309, ClinGen allele CA053560.
Genomic context (GRCh38, chr7:151,568,856, plus strand): 5'-ATCTGTGGATTTTATTTTTGATCAAGGAGTATACAGCATCGAAGAGGCTGTGGGAGAAGT[C>G]ATTAAAGTTGTTAGGAGGCTTTCGAGAAAAATCAGAACACTTTGGACTACCCCTGCCTTA-3'